The following is an entry in ClinVar:

NM_212482.4(FN1):c.1278_1279del (p.Tyr426_Asn427delinsTer)

Genes: FN1 (fibronectin 1; minus strand), LOC126806498 (CDK7 strongly-dependent group 2 enhancer GRCh37_chr2:216288045-216289244; plus strand). Cytogenetic location: 2q35.
Variant type: Deletion.
Coding change: c.1278_1279del on transcript NM_212482.4 (MANE Select); coding-DNA positions 1278 to 1279, 2 bases deleted (CA; older notation c.1278_1279delCA).
Protein change: p.Tyr426_Asn427delinsTer.
Molecular consequence: nonsense.
Genome position (GRCh38, 1-based): chr2:215,423,464-215,423,465, TG deleted on the plus strand (CA on the coding strand, the reverse complement: FN1 is on the minus strand); deleting any 2 consecutive bases within chr2:215,423,464-215,423,466 gives the same sequence; the c. name uses the placement nearest the transcript's 3' end. VCF-style (leftmost placement, unchanged base first): chr2-215423463-TTG-T. GRCh37 (hg19) VCF-style: chr2-216288186-TTG-T.
Other names: c.1278_1279del, p.Tyr426_Asn427delinsTer (NM_001306129.2, NM_001306130.2, NM_001306131.2 and 14 more transcripts).
Identifiers: ClinVar variation 3600398 (VCV003600398.1).

ClinVar aggregate classification (germline): Uncertain significance (1 of 4 stars; one submission).

Conditions:
Glomerulopathy with fibronectin deposits 2 (GFND2). Identifiers: Orphanet 84090, MedGen C1866075, MONDO:0011165, OMIM 601894.
Spondylometaphyseal dysplasia - Sutcliffe type. Also called: Sutcliffe type of spondylometaphyseal dysplasia; Sutcliffe SMD; Spondylometaphyseal dysplasia, 'corner fracture' type; Spondylometaphyseal Dysplasia, Corner Fracture Type. Identifiers: Orphanet 93315, MedGen C0432221, MONDO:0008479, OMIM 184255.

Submission:

Clinical Genomics Laboratory, Washington University in St. Louis
Classification: Uncertain significance for Spondylometaphyseal dysplasia - Sutcliffe type; Glomerulopathy with fibronectin deposits 2. Last evaluated: 2024-05-29. Review status: criteria provided, single submitter. Criteria: ACMG Guidelines, 2015. Collection method: clinical testing. Allele origin: germline.
Comment: The FN1 c.1278_1279del (p.Tyr426*) variant, to our knowledge, has not been reported in the medical literature and is absent from the general population (gnomAD v.2.1.1), indicating it is not a common variant. This variant causes a frameshift by deleting two nucleotides, leading to a premature termination codon, which is predicted to lead to nonsense mediated decay. However, loss of function is not the known mechanism of disease. Due to limited information, and based on ACMG/AMP guidelines for variant interpretation (Richards S et al., PMID: 25741868), the clinical significance of this variant is uncertain at this time.